The following is an entry in ClinVar:

NM_000057.4(BLM):c.1100G>C (p.Ser367Thr)

Gene: BLM (BLM RecQ like helicase; plus strand). Cytogenetic location: 15q26.1.
Variant type: single nucleotide variant.
Coding change: c.1100G>C on transcript NM_000057.4 (MANE Select); coding-DNA position 1100, G replaced by C.
Protein change: p.Ser367Thr; replaces serine 367 with threonine.
Molecular consequence: missense variant. On other transcripts: 5 prime UTR variant (1).
Genome position (GRCh38, 1-based): chr15:90,760,159, G>C. VCF-style: chr15-90760159-G-C. GRCh37 (hg19) VCF-style: chr15-91303389-G-C.
Other names: c.1100G>C, p.Ser367Thr (NM_001287246.2, NM_001287247.2); c.-26G>C (NM_001287248.2); short protein forms S367T.
Identifiers: ClinVar variation 2865754 (VCV002865754.2), dbSNP rs772176483, ClinGen allele CA393842306.

ClinVar aggregate classification (germline): Uncertain significance. Review status: criteria provided, multiple submitters, no conflicts (2 of 4 stars). 2 submissions from 2 submitters: Uncertain significance (2). Last evaluated 2024-07-24.

Conditions:
Bloom syndrome (BLM). Also called: Bloom-Torre-Machacek syndrome. Identifiers: Orphanet 125, MedGen C0005859, MONDO:0008876, OMIM 210900.
Hereditary cancer-predisposing syndrome. Also called: Hereditary neoplastic syndrome; Tumor predisposition; Neoplastic Syndromes, Hereditary; Hereditary Cancer Syndrome. Identifiers: Orphanet 140162, MedGen C0027672, MeSH D009386, MONDO:0015356.

Submissions (2):

Ambry Genetics
Classification: Uncertain significance for Hereditary cancer-predisposing syndrome. Last evaluated: 2024-07-24. Review status: criteria provided, single submitter. Criteria: Ambry Variant Classification Scheme 2023. Collection method: clinical testing. Allele origin: germline.
Comment: The p.S367T variant (also known as c.1100G>C), located in coding exon 5 of the BLM gene, results from a G to C substitution at nucleotide position 1100. The serine at codon 367 is replaced by threonine, an amino acid with similar properties. This amino acid position is conserved. In addition, this alteration is predicted to be tolerated by in silico analysis. Based on the available evidence, the clinical significance of this variant remains unclear.

Labcorp Genetics (formerly Invitae), Labcorp
Classification: Uncertain significance for Bloom syndrome. Last evaluated: 2023-05-19. Review status: criteria provided, single submitter. Criteria: Invitae Variant Classification Sherloc (09022015). Collection method: clinical testing. Allele origin: germline.
Comment: This sequence change replaces serine, which is neutral and polar, with threonine, which is neutral and polar, at codon 367 of the BLM protein (p.Ser367Thr). This variant is not present in population databases (gnomAD no frequency). In summary, the available evidence is currently insufficient to determine the role of this variant in disease. Therefore, it has been classified as a Variant of Uncertain Significance. Advanced modeling of protein sequence and biophysical properties (such as structural, functional, and spatial information, amino acid conservation, physicochemical variation, residue mobility, and thermodynamic stability) performed at Invitae indicates that this missense variant is not expected to disrupt BLM protein function. This variant has not been reported in the literature in individuals affected with BLM-related conditions.